The following is an entry in ClinVar:

NM_004928.3(CFAP410):c.123C>G (p.Ser41Arg)

Gene: CFAP410 (cilia and flagella associated protein 410; minus strand). Cytogenetic location: 21q22.3.
Variant type: single nucleotide variant.
Coding change: c.123C>G on transcript NM_004928.3 (MANE Select); coding-DNA position 123, C replaced by G.
Protein change: p.Ser41Arg; replaces serine 41 with arginine.
Molecular consequence: missense variant.
Genome position (GRCh38, 1-based): chr21:44,335,778, G>C on the plus strand (C>G on the coding strand, the complement: CFAP410 is on the minus strand). VCF-style: chr21-44335778-G-C. GRCh37 (hg19) VCF-style: chr21-45755661-G-C.
Other names: c.123C>G, p.Ser41Arg (NM_001271440.2, NM_001271441.2); c.9C>G, p.Ser3Arg (NM_001271442.1); short protein forms S3R, S41R.
Identifiers: ClinVar variation 2004008 (VCV002004008.2), dbSNP rs767420984, ClinGen allele CA10053834.
Genomic context (GRCh38, chr21:44,335,778, plus strand): 5'-TCCAGGCCCCAGGCTGAGCATGACAGCAGGAGCGAGGTACCTGAGCGTGATCACCTCCAG[G>C]CTGGGCATCTCCTGGCAAATGGAGATCTAGGAGGAAAAGAACATGACTAGCAAGCATGGC-3'
Protein context (NP_004919.1, residues 31-51): TDISICQEMP[Ser41Arg]LEVITLSVNS

ClinVar aggregate classification (germline): Uncertain significance (1 of 4 stars; one submission).

Allele frequency attached by ClinVar (database versions not stated): gnomAD exomes below 0.00001; ExAC 0.00002.
gnomAD v4.1: 3 of 1,593,210 alleles (0.00019%); highest among the groups gnomAD compares: Admixed American, 0.0017%; no homozygotes.

Submission:

Labcorp Genetics (formerly Invitae), Labcorp
Classification: Uncertain significance. Last evaluated: 2022-06-17. Review status: criteria provided, single submitter. Criteria: Invitae Variant Classification Sherloc (09022015). Collection method: clinical testing. Allele origin: germline.
Comment: In summary, the available evidence is currently insufficient to determine the role of this variant in disease. Therefore, it has been classified as a Variant of Uncertain Significance. Algorithms developed to predict the effect of missense changes on protein structure and function (SIFT, PolyPhen-2, Align-GVGD) all suggest that this variant is likely to be tolerated. This variant has not been reported in the literature in individuals affected with CFAP410-related conditions. This variant is present in population databases (rs767420984, gnomAD 0.003%). This sequence change replaces serine, which is neutral and polar, with arginine, which is basic and polar, at codon 41 of the CFAP410 protein (p.Ser41Arg).